The following is an entry in ClinVar:

ClinVar aggregate classification (germline): Benign/Likely benign. Review status: criteria provided, multiple submitters, no conflicts (2 of 4 stars). 8 submissions from 7 submitters: Benign (5); Likely benign (2). 1 of the submissions does not count toward it. Last evaluated 2026-02-02.

Conditions:
Distal arthrogryposis type 2B1 (DA2B1). Also called: Arthrogryposis multiplex congenita distal type II with craniofacial abnormalities. Identifiers: Orphanet 1147, MedGen C5193014, MONDO:0020820, OMIM 601680.
Freeman-Sheldon syndrome (DA2A). Also called: CRANIOCARPOTARSAL DYSPLASIA; CRANIOCARPOTARSAL DYSTROPHY; Arthrogryposis, distal, type 2A (Freeman-Sheldon); WHISTLING FACE-WINDMILL VANE HAND SYNDROME. Identifiers: Orphanet 2053, MedGen C0265224, MONDO:0008675, OMIM 193700.

Allele frequency attached by ClinVar (database versions not stated): gnomAD exomes 0.01804 and 0.02026; ExAC 0.01925; 1000 Genomes Project 0.02097; TOPMed 0.02106; 1000 Genomes Project 30x 0.02124; gnomAD 0.02215 and 0.02219; ESP Exome Variant Server 0.02353.
gnomAD v4.1: 32,878 of 1,613,930 alleles (2%); highest among the groups gnomAD compares: African/African-American, 3%; 359 homozygotes.

Submissions (8):

Labcorp Genetics (formerly Invitae), Labcorp
Classification: Benign. Last evaluated: 2026-02-02. Review status: criteria provided, single submitter. Criteria: Invitae Variant Classification Sherloc (09022015). Collection method: clinical testing. Allele origin: germline.

ARUP Laboratories, Molecular Genetics and Genomics, ARUP Laboratories
Classification: Benign. Last evaluated: 2025-05-05. Review status: criteria provided, single submitter. Criteria: ARUP Molecular Germline Variant Investigation Process 2024. Collection method: clinical testing. Allele origin: germline.

GeneDx
Classification: Likely benign. Last evaluated: 2020-12-09. Review status: criteria provided, single submitter. Criteria: GeneDx Variant Classification Process June 2021. Collection method: clinical testing. Allele origin: germline. Affected: yes.

Illumina Laboratory Services, Illumina
Classification: Benign for Freeman-Sheldon syndrome. Last evaluated: 2018-01-12. Review status: criteria provided, single submitter. Criteria: ICSL Variant Classification Criteria 13 December 2019. Collection method: clinical testing. Allele origin: germline.
Comment: This variant was observed in the ICSL laboratory as part of a predisposition screen in an ostensibly healthy population. It had not been previously curated by ICSL or reported in the Human Gene Mutation Database (HGMD: prior to June 1st, 2018), and was therefore a candidate for classification through an automated scoring system. Utilizing variant allele frequency, disease prevalence and penetrance estimates, and inheritance mode, an automated score was calculated to assess if this variant is too frequent to cause the disease. Based on the score and internal cut-off values, a variant classified as benign is not then subjected to further curation. The score for this variant resulted in a classification of benign for this disease.

Illumina Laboratory Services, Illumina
Classification: Benign for Distal arthrogryposis type 2B1. Last evaluated: 2018-01-12. Review status: criteria provided, single submitter. Criteria: ICSL Variant Classification Criteria 13 December 2019. Collection method: clinical testing. Allele origin: germline.
Comment: the same text as in the submission from Illumina Laboratory Services, Illumina above.

Breakthrough Genomics
Classification: Likely benign. Review status: criteria provided, single submitter. Criteria: ACMG Guidelines, 2015. Collection method: not provided. Allele origin: germline. Inheritance: Autosomal recessive inheritance. Affected: yes.

PreventionGenetics, part of Exact Sciences
Classification: Benign. Review status: criteria provided, single submitter. Criteria: ACMG Guidelines, 2015. Collection method: clinical testing. Allele origin: germline.

Genetic Services Laboratory, University of Chicago
Classification: Likely benign for AllHighlyPenetrant. Review status: no assertion criteria provided. Collection method: clinical testing. Allele origin: germline. Inheritance: Autosomal dominant inheritance. Not counted in ClinVar's aggregate classification.
Comment: Likely benign based on allele frequency in 1000 Genomes Project or ESP global frequency and its presence in a patient with a rare or unrelated disease phenotype. NOT Sanger confirmed.

NM_002470.4(MYH3):c.6T>C (p.Ser2=)

Gene: MYH3 (myosin heavy chain 3; minus strand). Cytogenetic location: 17p13.1.
Variant type: single nucleotide variant.
Coding change: c.6T>C on transcript NM_002470.4 (MANE Select); coding-DNA position 6, T replaced by C.
Protein change: p.Ser2=; no amino-acid change (serine 2 retained).
Molecular consequence: synonymous variant.
Genome position (GRCh38, 1-based): chr17:10,655,059, A>G on the plus strand (T>C on the coding strand, the complement: MYH3 is on the minus strand). VCF-style: chr17-10655059-A-G. GRCh37 (hg19) VCF-style: chr17-10558376-A-G.
Identifiers: ClinVar variation 129667 (VCV000129667.25), dbSNP rs17817203, ClinGen allele CA153810.